The following is an entry in ClinVar:

ClinVar aggregate classification (germline): Uncertain significance. Review status: criteria provided, multiple submitters, no conflicts (2 of 4 stars). 2 submissions from 2 submitters: Uncertain significance (2). Last evaluated 2025-09-26.

Conditions:
Hereditary sensory and autonomic neuropathy type 7. Also called: HSAN VII; Neuropathy, hereditary sensory and autonomic, type VII. Identifiers: Orphanet 391397, MedGen C3809882, MONDO:0014244, OMIM 615548.
Familial episodic pain syndrome with predominantly lower limb involvement. Also called: Episodic pain syndrome, familial, 3. Identifiers: Orphanet 391384, Orphanet 391392, MedGen C3809899, MONDO:0014247, OMIM 615552.
Inborn genetic diseases. Identifiers: MedGen C0950123, MeSH D030342.

Allele frequency attached by ClinVar (database versions not stated): gnomAD exomes below 0.00001; ExAC 0.00001; TOPMed 0.00001; gnomAD 0.00002.
gnomAD v4.1: 4 of 1,614,052 alleles (0.00025%); highest among the groups gnomAD compares: African/African-American, 0.0053%; no homozygotes.

Submissions (2):

Ambry Genetics
Classification: Uncertain significance for Inborn genetic diseases. Last evaluated: 2025-09-26. Review status: criteria provided, single submitter. Criteria: Ambry Variant Classification Scheme 2023. Collection method: clinical testing. Allele origin: germline.

Labcorp Genetics (formerly Invitae), Labcorp
Classification: Uncertain significance for Familial episodic pain syndrome with predominantly lower limb involvement; Hereditary sensory and autonomic neuropathy type 7. Last evaluated: 2021-05-03. Review status: criteria provided, single submitter. Criteria: Invitae Variant Classification Sherloc (09022015). Collection method: clinical testing. Allele origin: germline.
Comment: This variant is present in population databases (rs754184860, ExAC 0.01%). This sequence change replaces phenylalanine with valine at codon 715 of the SCN11A protein (p.Phe715Val). The phenylalanine residue is highly conserved and there is a small physicochemical difference between phenylalanine and valine. This variant has not been reported in the literature in individuals with SCN11A-related conditions. Algorithms developed to predict the effect of missense changes on protein structure and function (SIFT, PolyPhen-2, Align-GVGD) all suggest that this variant is likely to be disruptive, but these predictions have not been confirmed by published functional studies and their clinical significance is uncertain. In summary, the available evidence is currently insufficient to determine the role of this variant in disease. Therefore, it has been classified as a Variant of Uncertain Significance.

NM_001349253.2(SCN11A):c.2143T>G (p.Phe715Val)

Gene: SCN11A (sodium voltage-gated channel alpha subunit 11; minus strand). Cytogenetic location: 3p22.2.
Variant type: single nucleotide variant.
Coding change: c.2143T>G on transcript NM_001349253.2 (MANE Select); coding-DNA position 2143, T replaced by G.
Protein change: p.Phe715Val; replaces phenylalanine 715 with valine.
Molecular consequence: missense variant.
Genome position (GRCh38, 1-based): chr3:38,897,105, A>C on the plus strand (T>G on the coding strand, the complement: SCN11A is on the minus strand). VCF-style: chr3-38897105-A-C. GRCh37 (hg19) VCF-style: chr3-38938596-A-C.
Other names: c.2143T>G, p.Phe715Val (NM_014139.3); c.2143T>G (NM_014139.2); short protein forms F715V.
Identifiers: ClinVar variation 1498589 (VCV001498589.9), dbSNP rs754184860, ClinGen allele CA2322122.